The following is an entry in ClinVar:

NM_001854.4(COL11A1):c.3569_3590del (p.Gly1189_Phe1190insTer)

Gene: COL11A1 (collagen type XI alpha 1 chain; minus strand). Cytogenetic location: 1p21.1.
Variant type: Deletion.
Coding change: c.3569_3590del on transcript NM_001854.4 (MANE Select); coding-DNA positions 3569 to 3590, 22 bases deleted (TCCCTGGACCTCCTGGTCCAAT).
Protein change: p.Gly1189_Phe1190insTer.
Molecular consequence: nonsense. On other transcripts: non-coding transcript variant (1).
Genome position (GRCh38, 1-based): chr1:102,934,459-102,934,480, ATTGGACCAGGAGGTCCAGGGA deleted on the plus strand (TCCCTGGACCTCCTGGTCCAAT on the coding strand, the reverse complement: COL11A1 is on the minus strand); deleting any 22 consecutive bases within chr1:102,934,459-102,934,481 gives the same sequence; the c. name uses the placement nearest the transcript's 3' end. VCF-style (leftmost placement, unchanged base first): chr1-102934458-TATTGGACCAGGAGGTCCAGGGA-T. GRCh37 (hg19) VCF-style: chr1-103400014-TATTGGACCAGGAGGTCCAGGGA-T.
Other names: c.3452_3473del, p.Gly1150_Phe1151insTer (NM_001190709.2); c.3605_3626del, p.Gly1201_Phe1202insTer (NM_080629.3); c.3221_3242del, p.Gly1073_Phe1074insTer (NM_080630.4).
Identifiers: ClinVar variation 3726013 (VCV003726013.2).

ClinVar aggregate classification (germline): Pathogenic (1 of 4 stars; one submission).

Submission:

Labcorp Genetics (formerly Invitae), Labcorp
Classification: Pathogenic. Last evaluated: 2024-12-03. Review status: criteria provided, single submitter. Criteria: Invitae Variant Classification Sherloc (09022015). Collection method: clinical testing. Allele origin: germline.
Comment: This sequence change creates a premature translational stop signal (p.Phe1190*) in the COL11A1 gene. It is expected to result in an absent or disrupted protein product. Loss-of-function variants in COL11A1 are known to be pathogenic (PMID: 20513134, 21035103, 23922384, 25240749, 32427345, 32756486). This variant is not present in population databases (gnomAD no frequency). This variant has not been reported in the literature in individuals affected with COL11A1-related conditions. For these reasons, this variant has been classified as Pathogenic.

Literature cited by the submitters: PubMed 20513134; PubMed 21035103; PubMed 23922384; PubMed 25240749; PubMed 32427345; PubMed 32756486.